The following is an entry in ClinVar:

NM_000238.4(KCNH2):c.2952dup (p.Asn985fs)

Gene: KCNH2 (potassium voltage-gated channel subfamily H member 2; minus strand). Cytogenetic location: 7q36.1.
Variant type: Duplication.
Coding change: c.2952dup on transcript NM_000238.4 (MANE Select); coding-DNA position 2952, one base duplicated (C; older notation c.2952dupC).
Protein change: p.Asn985fs; shifts the reading frame from asparagine 985.
Molecular consequence: frameshift variant.
Genome position (GRCh38, 1-based): chr7:150,947,619, G duplicated on the plus strand (C on the coding strand, the reverse complement: KCNH2 is on the minus strand). VCF-style (leftmost placement, unchanged base first): chr7-150947618-T-TG. GRCh37 (hg19) VCF-style: chr7-150644706-T-TG.
Other names: c.1932dup, p.Asn645fs (NM_172057.3); short protein forms N985fs, N645fs.
Identifiers: ClinVar variation 418815 (VCV000418815.2), dbSNP rs1554424254, ClinGen allele CA16618399.

ClinVar aggregate classification (germline): Pathogenic (1 of 4 stars; one submission).

Submission:

GeneDx
Classification: Pathogenic. Last evaluated: 2015-04-13. Review status: criteria provided, single submitter. Criteria: GeneDx Variant Classification (06012015). Collection method: clinical testing. Allele origin: germline. Affected: yes.
Comment: Although the c.2952dupC variant in the KCNH2 gene has not been reported to our knowledge, this duplication causes a shift in reading frame starting at codon Asparagine 985, changing it to a Glutamine, and creating a premature stop codon at position 134 of the new reading frame, denoted p.Asn985GlnfsX134. This variant is expected to result in an abnormal, truncated protein product. Other frameshift variants in the KCNH2 gene have been reported in HGMD in association with LQTS (Stenson P et al., 2014). In summary, c.2952dupC in the KCNH2 gene is interpreted as a pathogenic variant.